The following is an entry in ClinVar:

ClinVar aggregate classification (germline): Likely benign. Review status: criteria provided, single submitter (1 of 4 stars). 2 submissions from 2 submitters: Likely benign (1). 1 of the submissions does not count toward it. Last evaluated 2024-10-02.

Conditions:
ZFHX2-related disorder. Also called: ZFHX2-related condition.

Allele frequency attached by ClinVar (database versions not stated): gnomAD exomes 0.00010; ExAC 0.00054; gnomAD 0.00094; TOPMed 0.00095; 1000 Genomes Project 0.00160; 1000 Genomes Project 30x 0.00172.
gnomAD v4.1: 285 of 1,555,350 alleles (0.018%); highest among the groups gnomAD compares: African/African-American, 0.35%; 2 homozygotes.

Submissions (2):

Blueprint Genetics
Classification: Likely benign. Last evaluated: 2024-10-02. Review status: criteria provided, single submitter. Criteria: ACMG Guidelines, 2015. Collection method: clinical testing. Allele origin: germline.

PreventionGenetics, part of Exact Sciences
Classification: Likely benign for ZFHX2-related condition. Last evaluated: 2020-01-03. Review status: no assertion criteria provided. Collection method: clinical testing. Allele origin: germline. Not counted in ClinVar's aggregate classification.
Comment: This variant is classified as likely benign based on ACMG/AMP sequence variant interpretation guidelines (Richards et al. 2015 PMID: 25741868, with internal and published modifications).

NM_033400.3(ZFHX2):c.6306T>C (p.Ile2102=)

Genes: THTPA (thiamine triphosphatase; plus strand), ZFHX2 (zinc finger homeobox 2; minus strand). Cytogenetic location: 14q11.2.
Variant type: single nucleotide variant.
Coding change: c.6306T>C on transcript NM_033400.3 (MANE Select); coding-DNA position 6306, T replaced by C.
Protein change: p.Ile2102=; no amino-acid change (isoleucine 2102 retained).
Molecular consequence: synonymous variant.
Genome position (GRCh38, 1-based): chr14:23,523,636, A>G on the plus strand (T>C on the coding strand, the complement: ZFHX2 is on the minus strand). VCF-style: chr14-23523636-A-G. GRCh37 (hg19) VCF-style: chr14-23992845-A-G.
Identifiers: ClinVar variation 3040492 (VCV003040492.3), dbSNP rs527638125, ClinGen allele CA7116844.